The following is an entry in ClinVar:

ClinVar aggregate classification (germline): Uncertain significance (1 of 4 stars; one submission).

Conditions:
Neuropathy, hereditary sensory, type 2C. Also called: KIF1A-Related HSAN2 (HSAN2C); Hereditary sensory and autonomic neuropathy type IIC. Identifiers: Orphanet 970, MedGen C3280168, MONDO:0013634, OMIM 614213.
Hereditary spastic paraplegia 30. Identifiers: Orphanet 101010, MedGen C5235139, MONDO:0012476.
Intellectual disability, autosomal dominant 9 (NESCAVS). Also called: KIF1A-Related Neurodevelopmental Disorder; NESCAV SYNDROME. Identifiers: Orphanet 662367, MedGen C5393830, MONDO:0013656, OMIM 614255.

gnomAD v4.1: 1 of 1,547,498 alleles (0.000065%); no homozygotes.

Submission:

Labcorp Genetics (formerly Invitae), Labcorp
Classification: Uncertain significance for Hereditary spastic paraplegia 30; Neuropathy, hereditary sensory, type 2C; Intellectual disability, autosomal dominant 9. Last evaluated: 2025-12-02. Review status: criteria provided, single submitter. Criteria: Invitae Variant Classification Sherloc (09022015). Collection method: clinical testing. Allele origin: germline.
Comment: This sequence change replaces alanine, which is neutral and non-polar, with aspartic acid, which is acidic and polar, at codon 1443 of the KIF1A protein (p.Ala1443Asp). This variant is not present in population databases (gnomAD no frequency). This variant has not been reported in the literature in individuals affected with KIF1A-related conditions. Invitae Evidence Modeling of protein sequence and biophysical properties (such as structural, functional, and spatial information, amino acid conservation, physicochemical variation, residue mobility, and thermodynamic stability) indicates that this missense variant is not expected to disrupt KIF1A protein function with a negative predictive value of 95%. In summary, the available evidence is currently insufficient to determine the role of this variant in disease. Therefore, it has been classified as a Variant of Uncertain Significance.

NM_001244008.2(KIF1A):c.4631C>A (p.Ala1544Asp)

Gene: KIF1A (kinesin family member 1A; minus strand). Cytogenetic location: 2q37.3.
Variant type: single nucleotide variant.
Coding change: c.4631C>A on transcript NM_001244008.2 (MANE Select); coding-DNA position 4631, C replaced by A.
Protein change: p.Ala1544Asp; replaces alanine 1544 with aspartic acid.
Molecular consequence: missense variant.
Genome position (GRCh38, 1-based): chr2:240,722,490, G>T on the plus strand (C>A on the coding strand, the complement: KIF1A is on the minus strand). VCF-style: chr2-240722490-G-T. GRCh37 (hg19) VCF-style: chr2-241661907-G-T.
Other names: c.4355C>A, p.Ala1452Asp (NM_001320705.2, NM_001379649.1); c.4382C>A, p.Ala1461Asp (NM_001330289.2); c.4430C>A, p.Ala1477Asp (NM_001330290.2, NM_001379648.1); c.4706C>A, p.Ala1569Asp (NM_001379631.1); c.4607C>A, p.Ala1536Asp (NM_001379632.1); c.4604C>A, p.Ala1535Asp (NM_001379633.1, NM_001379645.1); c.4457C>A, p.Ala1486Asp (NM_001379634.1); c.4454C>A, p.Ala1485Asp (NM_001379635.1, NM_001379646.1); and 7 more; short protein forms A1443D, A1451D, A1468D, A1481D, A1544D, A1452D, A1485D, A1569D.
Identifiers: ClinVar variation 4791574 (VCV004791574.1).